The following is an entry in ClinVar:

ClinVar aggregate classification (germline): Uncertain significance. Review status: criteria provided, multiple submitters, no conflicts (2 of 4 stars). 3 submissions from 3 submitters: Uncertain significance (3). Last evaluated 2025-04-10.

Conditions:
Inborn genetic diseases. Identifiers: MedGen C0950123, MeSH D030342.

Allele frequency attached by ClinVar (database versions not stated): ExAC below 0.00001; gnomAD 0.00001 and 0.00002; gnomAD exomes 0.00002; TOPMed 0.00002; 1000 Genomes Project 30x 0.00031.

Submissions (3):

Ambry Genetics
Classification: Uncertain significance for Inborn genetic diseases. Last evaluated: 2025-04-10. Review status: criteria provided, single submitter. Criteria: Ambry Variant Classification Scheme 2023. Collection method: clinical testing. Allele origin: germline.

Blueprint Genetics
Classification: Uncertain significance. Last evaluated: 2024-11-05. Review status: criteria provided, single submitter. Criteria: ACMG Guidelines, 2015. Collection method: clinical testing. Allele origin: germline.

Labcorp Genetics (formerly Invitae), Labcorp
Classification: Uncertain significance. Last evaluated: 2024-09-28. Review status: criteria provided, single submitter. Criteria: Invitae Variant Classification Sherloc (09022015). Collection method: clinical testing. Allele origin: germline.
Comment: This sequence change replaces serine, which is neutral and polar, with threonine, which is neutral and polar, at codon 317 of the PRDM13 protein (p.Ser317Thr). This variant is present in population databases (rs780854003, gnomAD 0.003%). This variant has not been reported in the literature in individuals affected with PRDM13-related conditions. ClinVar contains an entry for this variant (Variation ID: 968462). An algorithm developed to predict the effect of missense changes on protein structure and function outputs the following: PolyPhen-2: "Benign". The threonine amino acid residue is found in multiple mammalian species, which suggests that this missense change does not adversely affect protein function. In summary, the available evidence is currently insufficient to determine the role of this variant in disease. Therefore, it has been classified as a Variant of Uncertain Significance.

NM_021620.4(PRDM13):c.950G>C (p.Ser317Thr)

Gene: PRDM13 (PR/SET domain 13; plus strand). Cytogenetic location: 6q16.2.
Variant type: single nucleotide variant.
Coding change: c.950G>C on transcript NM_021620.4 (MANE Select); coding-DNA position 950, G replaced by C.
Protein change: p.Ser317Thr; replaces serine 317 with threonine.
Molecular consequence: missense variant.
Genome position (GRCh38, 1-based): chr6:99,613,585, G>C. VCF-style: chr6-99613585-G-C. GRCh37 (hg19) VCF-style: chr6-100061461-G-C.
Other names: short protein forms S317T.
Identifiers: ClinVar variation 968462 (VCV000968462.12), dbSNP rs780854003, ClinGen allele CA3936304.